The following is an entry in ClinVar:

ClinVar aggregate classification (germline): Conflicting classifications of pathogenicity. Review status: criteria provided, conflicting classifications (1 of 4 stars). 2 submissions from 2 submitters: Uncertain significance (1); Likely benign (1). Last evaluated 2023-01-26.

Conditions:
Hereditary cancer-predisposing syndrome. Also called: Tumor predisposition; Hereditary Cancer Syndrome; Neoplastic Syndromes, Hereditary; Hereditary neoplastic syndrome. Identifiers: Orphanet 140162, MedGen C0027672, MeSH D009386, MONDO:0015356.
Hereditary breast ovarian cancer syndrome. Also called: Hereditary breast and ovarian cancer; Breast and ovarian cancer; Hereditary breast and/or ovarian cancer syndrome; Hereditary breast and ovarian cancer syndrome; BRCA1- and BRCA2-Associated Hereditary Breast and Ovarian Cancer; Hereditary breast and ovarian cancer syndrome (HBOC). Identifiers: Orphanet 145, MedGen C0677776, MeSH D061325, MONDO:0003582. Disease mechanism: loss of function.

Submissions (2):

Labcorp Genetics (formerly Invitae), Labcorp
Classification: Uncertain significance for Hereditary breast ovarian cancer syndrome. Last evaluated: 2023-01-26. Review status: criteria provided, single submitter. Criteria: Invitae Variant Classification Sherloc (09022015). Collection method: clinical testing. Allele origin: germline.
Comment: In summary, the available evidence is currently insufficient to determine the role of this variant in disease. Therefore, it has been classified as a Variant of Uncertain Significance. Algorithms developed to predict the effect of sequence changes on RNA splicing suggest that this variant may create or strengthen a splice site. ClinVar contains an entry for this variant (Variation ID: 822618). This variant has not been reported in the literature in individuals affected with BRCA2-related conditions. This variant is not present in population databases (gnomAD no frequency). This sequence change affects codon 2878 of the BRCA2 mRNA. It is a 'silent' change, meaning that it does not change the encoded amino acid sequence of the BRCA2 protein.

Ambry Genetics
Classification: Likely benign for Hereditary cancer-predisposing syndrome. Last evaluated: 2018-06-18. Review status: criteria provided, single submitter. Criteria: Ambry Variant Classification Scheme 2023. Collection method: clinical testing. Allele origin: germline.

NM_000059.4(BRCA2):c.8634A>G (p.Glu2878=)

Gene: BRCA2 (BRCA2 DNA repair associated; plus strand). Cytogenetic location: 13q13.1.
Variant type: single nucleotide variant.
Coding change: c.8634A>G on transcript NM_000059.4 (MANE Select); coding-DNA position 8634, A replaced by G.
Protein change: p.Glu2878=; no amino-acid change (glutamic acid 2878 retained).
Molecular consequence: synonymous variant.
Genome position (GRCh38, 1-based): chr13:32,376,671, A>G. VCF-style: chr13-32376671-A-G. GRCh37 (hg19) VCF-style: chr13-32950808-A-G.
Identifiers: ClinVar variation 822618 (VCV000822618.7), dbSNP rs1593934742, ClinGen allele CA483261744.